The following is an entry in ClinVar:

ClinVar aggregate classification (germline): Uncertain significance. Review status: criteria provided, multiple submitters, no conflicts (2 of 4 stars). 3 submissions from 2 submitters: Uncertain significance (3). Last evaluated 2025-09-10.

Conditions:
Combined immunodeficiency due to LRBA deficiency. Also called: Common variable immunodeficiency 8, with autoimmunity. Identifiers: Orphanet 445018, MedGen C3553512, MONDO:0013863, OMIM 614700.
Spastic paraplegia, intellectual disability, nystagmus, and obesity. Also called: Spastic paraplegia, intellectual disability, nystagmus, and obesity;. Identifiers: Orphanet 521390, MedGen C4284592, MONDO:0015007, OMIM 617296.

Submissions (3):

Genomic Medicine Center of Excellence, King Faisal Specialist Hospital and Research Centre
Classification: Uncertain significance for Combined immunodeficiency due to LRBA deficiency. Last evaluated: 2025-09-10. Review status: criteria provided, single submitter. Criteria: ACMG Guidelines, 2015. Collection method: clinical testing. Allele origin: germline.

Genomic Medicine Center of Excellence, King Faisal Specialist Hospital and Research Centre
Classification: Uncertain significance for Spastic paraplegia, intellectual disability, nystagmus, and obesity. Last evaluated: 2024-12-17. Review status: criteria provided, single submitter. Criteria: ACMG Guidelines, 2015. Collection method: clinical testing. Allele origin: germline.

Baylor Genetics
Classification: Uncertain significance for Combined immunodeficiency due to LRBA deficiency. Last evaluated: 2020-05-19. Review status: criteria provided, single submitter. Criteria: ACMG Guidelines, 2015. Collection method: clinical testing. Allele origin: unknown. Affected: yes.
Comment: This variant was determined to be of uncertain significance according to ACMG Guidelines, 2015 [PMID:25741868].

NM_001364905.1(LRBA):c.3826-13A>G

Gene: LRBA (LPS responsive beige-like anchor protein; minus strand). Cytogenetic location: 4q31.3.
Variant type: single nucleotide variant.
Coding change: c.3826-13A>G on transcript NM_001364905.1 (MANE Select); 13 bases into the intron before coding-DNA position 3826, A replaced by G.
Molecular consequence: intron variant.
Genome position (GRCh38, 1-based): chr4:150,850,915, T>C on the plus strand (A>G on the coding strand, the complement: LRBA is on the minus strand). VCF-style: chr4-150850915-T-C. GRCh37 (hg19) VCF-style: chr4-151772067-T-C.
Other names: c.3826-13A>G (NM_001367550.1, NM_006726.5, NM_001199282.3 and 2 more transcripts).
Identifiers: ClinVar variation 1031076 (VCV001031076.3), dbSNP rs1750538092, ClinGen allele CA1503642803.